The following is an entry in ClinVar:

ClinVar aggregate classification (germline): Pathogenic/Likely pathogenic. Review status: criteria provided, multiple submitters, no conflicts (2 of 4 stars). 4 submissions from 4 submitters: Pathogenic (2); Likely pathogenic (2). Last evaluated 2023-08-24.

Conditions:
Hereditary cancer-predisposing syndrome. Also called: Neoplastic Syndromes, Hereditary; Hereditary Cancer Syndrome; Tumor predisposition; Hereditary neoplastic syndrome. Identifiers: Orphanet 140162, MedGen C0027672, MeSH D009386, MONDO:0015356.
Lynch syndrome 5 (LYNCH5). Also called: Colorectal cancer, hereditary nonpolyposis, type 5; Hereditary non-polyposis colorectal cancer, type 5. Identifiers: Orphanet 144, MedGen C1833477, MONDO:0013710, OMIM 614350. Disease mechanism: loss of function.
Hereditary nonpolyposis colorectal neoplasms. Identifiers: MedGen C0009405, MeSH D003123.

Submissions (4):

Myriad Genetics, Inc.
Classification: Likely pathogenic for Lynch syndrome 5. Last evaluated: 2023-08-24. Review status: criteria provided, single submitter. Criteria: Myriad Autosomal Dominant, Autosomal Recessive and X-Linked Classification Criteria (2023). Collection method: clinical testing. Allele origin: unknown.
Comment: This variant is considered likely pathogenic. This variant occurs within a consensus splice junction and is predicted to result in abnormal mRNA splicing of either an out-of-frame exon or an in-frame exon necessary for protein stability and/or normal function.

Ambry Genetics
Classification: Pathogenic for Hereditary cancer-predisposing syndrome. Last evaluated: 2022-05-03. Review status: criteria provided, single submitter. Criteria: Ambry Variant Classification Scheme 2023. Collection method: clinical testing. Allele origin: germline.
Comment: The c.3647-1G>C intronic pathogenic mutation results from a G to C substitution one nucleotide upstream from coding exon 8 of the MSH6 gene. Another alteration impacting the same donor site (c.3647-1G>A) has been detected in multiple individuals having features of or meeting clinical diagnostic criteria for hereditary non-polyposis colorectal cancer (HNPCC)/Lynch syndrome (Ambry internal data; Nilbert M et al Fam. Cancer 2009;8(1):75-83; Therkildsen C et al Eur. J. Neurol. 2015 Apr;22(4):717-24; Klarskov L et al Am. J. Surg. Pathol. 2011 Sep;35(9):1391-9; Okkels H et al Appl. Immunohistochem. Mol. Morphol. 2012;20(5):470-7; Yurgelun MB et al Gastroenterology 2015;149(3):604-613). This variant is considered to be rare based on population cohorts in the Genome Aggregation Database (gnomAD). In silico splice site analysis predicts that this alteration will weaken the native splice acceptor site and will result in the creation or strengthening of a novel splice acceptor site. Alterations that disrupt the canonical splice site are expected to cause aberrant splicing, resulting in an abnormal protein or a transcript that is subject to nonsense-mediated mRNA decay. As such, this alteration is classified as a disease-causing mutation.

Color Diagnostics, LLC DBA Color Health
Classification: Likely pathogenic for Hereditary cancer-predisposing syndrome. Last evaluated: 2021-01-04. Review status: criteria provided, single submitter. Criteria: ACMG Guidelines, 2015. Collection method: clinical testing. Allele origin: germline.
Comment: This variant causes a G to C nucleotide substitution at the -1 position of intron 7 of the MSH6 gene. Splice site prediction tools suggest that this variant may have a significant impact on RNA splicing. Although this prediction has not been confirmed in published RNA studies, this variant is expected to result in an absent or disrupted protein product. This variant has not been reported in individuals affected with hereditary cancer in the literature. However, different canonical splice site variants at this splice acceptor site, c.3647-1G>A and c.3647-2A>C, have been observed in affected members of Lynch syndrome families (PMID: 10508506, 15236168, 18566915, 18841495, 20587412, 21836479) and the c.3647-1G>A variant has been shown to cause out-of-frame splicing (PMID: 20587412). This variant has not been identified in the general population by the Genome Aggregation Database (gnomAD). Loss of MSH6 function is a known mechanism of disease. Based on the available evidence, this variant is classified as Likely Pathogenic.

Labcorp Genetics (formerly Invitae), Labcorp
Classification: Pathogenic for Hereditary nonpolyposis colorectal neoplasms. Last evaluated: 2020-07-23. Review status: criteria provided, single submitter. Criteria: Invitae Variant Classification Sherloc (09022015). Collection method: clinical testing. Allele origin: germline.
Comment: This variant is not present in population databases (ExAC no frequency). For these reasons, this variant has been classified as Pathogenic. Donor and acceptor splice site variants typically lead to a loss of protein function (PMID: 16199547), and loss-of-function variants in MSH6 are known to be pathogenic (PMID: 18269114, 24362816). Algorithms developed to predict the effect of sequence changes on RNA splicing suggest that this variant may disrupt the consensus splice site, but this prediction has not been confirmed by published transcriptional studies. Disruption of this splice site has been observed in individual(s) with clinical features of Lynch syndrome (PMID: 18566915, 21836479, Invitae). It has also been observed to segregate with disease in related individuals. This sequence change affects an acceptor splice site in intron 7 of the MSH6 gene. It is expected to disrupt RNA splicing and likely results in an absent or disrupted protein product.

Literature cited by the submitters: PubMed 16199547 (cited by Labcorp Genetics (formerly Invitae), Labcorp); PubMed 18269114 (cited by Labcorp Genetics (formerly Invitae), Labcorp); PubMed 24362816 (cited by Labcorp Genetics (formerly Invitae), Labcorp); PubMed 18566915 (cited by Labcorp Genetics (formerly Invitae), Labcorp); PubMed 21836479 (cited by Labcorp Genetics (formerly Invitae), Labcorp).

NM_000179.3(MSH6):c.3647-1G>C

Gene: MSH6 (mutS homolog 6; plus strand). Cytogenetic location: 2p16.3.
Variant type: single nucleotide variant.
Coding change: c.3647-1G>C on transcript NM_000179.3 (MANE Select); the canonical splice acceptor site of the intron before coding-DNA position 3647, G replaced by C.
Molecular consequence: splice acceptor variant.
Genome position (GRCh38, 1-based): chr2:47,806,203, G>C. VCF-style: chr2-47806203-G-C. GRCh37 (hg19) VCF-style: chr2-48033342-G-C.
Other names: c.3647-1G>C (NM_001406809.1, NM_001406796.1, NM_001406808.1 and 1 more transcripts); c.2741-1G>C (NM_001406811.1, NM_001406814.1, NM_001281493.2 and 6 more transcripts); c.3350-1G>C (NM_001406805.1, NM_001406797.1, NM_001406801.1 and 10 more transcripts); c.3743-1G>C (NM_001406795.1, NM_001406802.1); c.3653-1G>C (NM_001406813.1); c.3122-1G>C (NM_001406807.1, NM_001406799.1, NM_001406806.1); c.3473-1G>C (NM_001406798.1); c.2783-1G>C (NM_001406803.1); and 7 more.
Identifiers: ClinVar variation 927205 (VCV000927205.15), dbSNP rs587779279, ClinGen allele CA346760810.
Genomic context (GRCh38, chr2:47,806,203, plus strand): 5'-TAATTCCTTTTTTGTTTTAATTCCTTTGAGTTACTTCCTTATGCATATTTTACTTTAACA[G>C]GAAGAGGTACTGCAACATTTGATGGGACGGCAATAGCAAATGCAGTTGTTAAAGAACTTG-3'